The following is an entry in ClinVar:

ClinVar aggregate classification (germline): Likely benign (0 of 4 stars; one submission).

Conditions:
STX1A-related disorder. Also called: STX1A-related condition.

Allele frequency attached by ClinVar (database versions not stated): ExAC 0.00006; gnomAD 0.00020; TOPMed 0.00025.
gnomAD v4.1: 130 of 1,613,950 alleles (0.0081%); highest among the groups gnomAD compares: African/African-American, 0.075%; no homozygotes.

Submission:

PreventionGenetics, part of Exact Sciences
Classification: Likely benign for STX1A-related condition. Last evaluated: 2019-05-28. Review status: no assertion criteria provided. Collection method: clinical testing. Allele origin: germline.
Comment: This variant is classified as likely benign based on ACMG/AMP sequence variant interpretation guidelines (Richards et al. 2015 PMID: 25741868, with internal and published modifications).

NM_004603.4(STX1A):c.831C>T (p.Ile277=)

Gene: STX1A (syntaxin 1A; minus strand). Cytogenetic location: 7q11.23.
Variant type: single nucleotide variant.
Coding change: c.831C>T on transcript NM_004603.4 (MANE Select); coding-DNA position 831, C replaced by T.
Protein change: p.Ile277=; no amino-acid change (isoleucine 277 retained).
Molecular consequence: synonymous variant. On other transcripts: 3 prime UTR variant (1).
Genome position (GRCh38, 1-based): chr7:73,700,443, G>A on the plus strand (C>T on the coding strand, the complement: STX1A is on the minus strand). VCF-style: chr7-73700443-G-A. GRCh37 (hg19) VCF-style: chr7-73114773-G-A.
Other names: c.*29C>T (NM_001165903.2).
Identifiers: ClinVar variation 3044853 (VCV003044853.2), dbSNP rs782110427, ClinGen allele CA4290536.